The following is an entry in ClinVar:

NM_000548.5(TSC2):c.2926C>T (p.Arg976Trp)

Gene: TSC2 (TSC complex subunit 2; plus strand). Cytogenetic location: 16p13.3.
Variant type: single nucleotide variant.
Coding change: c.2926C>T on transcript NM_000548.5 (MANE Select); coding-DNA position 2926, C replaced by T.
Protein change: p.Arg976Trp; replaces arginine 976 with tryptophan.
Molecular consequence: missense variant. On other transcripts: intron variant (9).
Genome position (GRCh38, 1-based): chr16:2,077,686, C>T. VCF-style: chr16-2077686-C-T. GRCh37 (hg19) VCF-style: chr16-2127687-C-T.
Other names: c.2926C>T (NM_000548.4); c.2926C>T, p.Arg976Trp (NM_001114382.3); c.2837+1101C>T (NM_021055.3, NM_001370405.1, NM_001363528.2 and 2 more transcripts); c.2726+1101C>T (NM_001318827.2); c.2237+1101C>T (NM_001318831.2); c.2690+1101C>T (NM_001318829.2); c.2870+1101C>T (NM_001318832.2); short protein forms R976W.
Identifiers: ClinVar variation 405954 (VCV000405954.22), dbSNP rs769527912, ClinGen allele CA042810.

ClinVar aggregate classification (germline): Conflicting classifications of pathogenicity. Review status: criteria provided, conflicting classifications (1 of 4 stars). 7 submissions from 7 submitters: Uncertain significance (2); Benign (1); Likely benign (4). Last evaluated 2026-01-19.

Conditions:
TSC2-related disorder. Also called: TSC2-related condition; TSC2-Related Disorders.
Hereditary cancer-predisposing syndrome. Also called: Neoplastic Syndromes, Hereditary; Tumor predisposition; Hereditary Cancer Syndrome; Hereditary neoplastic syndrome. Identifiers: Orphanet 140162, MedGen C0027672, MeSH D009386, MONDO:0015356.
Tuberous sclerosis syndrome (TSC). Also called: Tuberous Sclerosis Complex; Tuberous sclerosis. Identifiers: Orphanet 805, MedGen C0041341, MONDO:0001734.
Tuberous sclerosis 2 (TSC2). Identifiers: Orphanet 805, MedGen C1860707, MONDO:0013199, OMIM 613254.

Allele frequency attached by ClinVar (database versions not stated): gnomAD 0.00003 and 0.00004; gnomAD exomes 0.00003 and 0.00008; TOPMed 0.00003; ExAC 0.00010.
gnomAD v4.1: 49 of 1,612,986 alleles (0.003%); highest among the groups gnomAD compares: African/African-American, 0.0067%; no homozygotes.

Submissions (7):

Labcorp Genetics (formerly Invitae), Labcorp
Classification: Benign for Tuberous sclerosis 2. Last evaluated: 2026-01-19. Review status: criteria provided, single submitter. Criteria: Invitae Variant Classification Sherloc (09022015). Collection method: clinical testing. Allele origin: germline.

PreventionGenetics, part of Exact Sciences
Classification: Likely benign for TSC2-related condition. Last evaluated: 2025-12-31. Review status: criteria provided, single submitter. Criteria: ACMG Guidelines, 2015. Collection method: clinical testing. Allele origin: germline.
Comment: This variant is classified as likely benign based on ACMG/AMP sequence variant interpretation guidelines (Richards et al. 2015 PMID: 25741868, with internal and published modifications).

Myriad Genetics, Inc.
Classification: Likely benign for Tuberous sclerosis 2. Last evaluated: 2025-05-27. Review status: criteria provided, single submitter. Criteria: Myriad Autosomal Dominant, Autosomal Recessive and X-Linked Classification Criteria (2023). Collection method: clinical testing. Allele origin: unknown.
Comment: This variant is considered likely benign. This variant has been observed at a population frequency that is significantly greater than expected given the associated disease prevalence and penetrance.

All of Us Research Program, National Institutes of Health
Classification: Uncertain significance for Tuberous sclerosis syndrome. Last evaluated: 2024-04-16. Review status: criteria provided, single submitter. Criteria: ACMG Guidelines, 2015. Collection method: clinical testing. Allele origin: germline. Inheritance: Autosomal dominant inheritance. Observed: 5 variant alleles, 5 heterozygotes.
Comment: This missense variant replaces arginine with tryptophan at codon 976 of the TSC2 protein. Computational prediction suggests that this variant may have deleterious impact on protein structure and function (internally defined REVEL score threshold >= 0.7, PMID: 27666373). To our knowledge, functional studies have not been reported for this variant. This variant has not been reported in individuals affected with TSC2-related disorders in the literature. This variant has been identified in 19/250656 chromosomes in the general population by the Genome Aggregation Database (gnomAD). The available evidence is insufficient to determine the role of this variant in disease conclusively. Therefore, this variant is classified as a Variant of Uncertain Significance.

This study involves interpretation of variants in research participants for the purpose of population health screening. Participant phenotype was not available at the time of variant classification. Additional details can be found in publication PMID: 35346344, PMCID: PMC8962531

Color Diagnostics, LLC DBA Color Health
Classification: Uncertain significance for Tuberous sclerosis syndrome. Last evaluated: 2024-03-06. Review status: criteria provided, single submitter. Criteria: ACMG Guidelines, 2015. Collection method: clinical testing. Allele origin: germline.
Comment: This missense variant replaces arginine with tryptophan at codon 976 of the TSC2 protein. Computational prediction suggests that this variant may have deleterious impact on protein structure and function. To our knowledge, functional studies have not been reported for this variant. This variant has not been reported in individuals affected with TSC2-related disorders in the literature. This variant has been identified in 19/250656 chromosomes in the general population by the Genome Aggregation Database (gnomAD). The available evidence is insufficient to determine the role of this variant in disease conclusively. Therefore, this variant is classified as a Variant of Uncertain Significance.

Ambry Genetics
Classification: Likely benign for Hereditary cancer-predisposing syndrome. Last evaluated: 2022-02-07. Review status: criteria provided, single submitter. Criteria: Ambry Variant Classification Scheme 2023. Collection method: clinical testing. Allele origin: germline.

Genome-Nilou Lab
Classification: Likely benign for Tuberous sclerosis 2. Last evaluated: 2021-11-07. Review status: criteria provided, single submitter. Criteria: ACMG Guidelines, 2015. Collection method: clinical testing. Allele origin: germline. Affected: no.